The following is an entry in ClinVar:

NM_012330.4(KAT6B):c.4776A>G (p.Gln1592=)

Gene: KAT6B (lysine acetyltransferase 6B; plus strand). Cytogenetic location: 10q22.2.
Variant type: single nucleotide variant.
Coding change: c.4776A>G on transcript NM_012330.4 (MANE Select); coding-DNA position 4776, A replaced by G.
Protein change: p.Gln1592=; no amino-acid change (glutamine 1592 retained).
Molecular consequence: synonymous variant.
Genome position (GRCh38, 1-based): chr10:75,029,600, A>G. VCF-style: chr10-75029600-A-G. GRCh37 (hg19) VCF-style: chr10-76789358-A-G.
Other names: c.4776A>G, p.Gln1592= (NM_001370137.1, NM_001370136.1); c.4227A>G, p.Gln1409= (NM_001370138.1, NM_001256468.2); c.3900A>G, p.Gln1300= (NM_001370139.1, NM_001370140.1, NM_001370141.1 and 2 more transcripts); c.3711A>G, p.Gln1237= (NM_001370143.1, NM_001370144.1); c.3738A>G, p.Gln1246= (NM_001370132.1); c.3087A>G, p.Gln1029= (NM_001370133.1); c.2691A>G, p.Gln897= (NM_001370134.1); c.2433A>G, p.Gln811= (NM_001370135.1).
Identifiers: ClinVar variation 1212754 (VCV001212754.13), dbSNP rs148492740, ClinGen allele CA5565095.
Genomic context (GRCh38, chr10:75,029,600, plus strand): 5'-ACAGAACTACACCCGTGCAGACCAAAGTCCACAGATTGCCACCACGCTCGACGATTGCCA[A>G]CAGTCGGACCACAGTAGCCCAGTTTCATCCGTCCACTCCCATCCTGGCCAGTCCGTACGT-3'
Protein context (NP_036462.2, residues 1582-1602): PQIATTLDDC[Gln1592=]QSDHSSPVSS

ClinVar aggregate classification (germline): Likely benign. Review status: criteria provided, multiple submitters, no conflicts (2 of 4 stars). 3 submissions from 3 submitters: Likely benign (2). 1 of the submissions does not count toward it. Last evaluated 2025-12-22.

Conditions:
KAT6B-related disorder. Also called: KAT6B-related disorders; KAT6B-related condition.
Genitopatellar syndrome (GTPTS). Also called: Genitopatellar syndrome (GPS); ABSENT PATELLAE, SCROTAL HYPOPLASIA, RENAL ANOMALIES, FACIAL DYSMORPHISM, AND MENTAL RETARDATION. Identifiers: Orphanet 85201, MedGen C1853566, MONDO:0011640, OMIM 606170.

Allele frequency attached by ClinVar (database versions not stated): gnomAD exomes 0.00001 and 0.00006; ExAC 0.00003; gnomAD 0.00006 and 0.00007; ESP Exome Variant Server 0.00008; TOPMed 0.00009.
gnomAD v4.1: 31 of 1,614,020 alleles (0.0019%); highest among the groups gnomAD compares: Admixed American, 0.033%; no homozygotes.

Submissions (3):

Labcorp Genetics (formerly Invitae), Labcorp
Classification: Likely benign for Genitopatellar syndrome. Last evaluated: 2025-12-22. Review status: criteria provided, single submitter. Criteria: Invitae Variant Classification Sherloc (09022015). Collection method: clinical testing. Allele origin: germline.

GeneDx
Classification: Likely benign. Last evaluated: 2021-03-25. Review status: criteria provided, single submitter. Criteria: GeneDx Variant Classification Process June 2021. Collection method: clinical testing. Allele origin: germline. Affected: yes.

PreventionGenetics, part of Exact Sciences
Classification: Likely benign for KAT6B-related condition. Last evaluated: 2022-10-19. Review status: no assertion criteria provided. Collection method: clinical testing. Allele origin: germline. Not counted in ClinVar's aggregate classification.
Comment: This variant is classified as likely benign based on ACMG/AMP sequence variant interpretation guidelines (Richards et al. 2015 PMID: 25741868, with internal and published modifications).